The following is an entry in ClinVar:

ClinVar aggregate classification (germline): Uncertain significance. Review status: criteria provided, multiple submitters, no conflicts (2 of 4 stars). 4 submissions from 4 submitters: Uncertain significance (4). Last evaluated 2026-04-10.

Conditions:
Zellweger spectrum disorders (ZS). Also called: Zellweger Spectrum Disorder; Zellweger Spectrum; Zellweger syndrome; Zellweger Spectrum Disorder (ZSD). Identifiers: Orphanet 912, MedGen C0043459, MONDO:0019609.
PEX1-related disorder. Also called: PEX1-related condition.

Allele frequency attached by ClinVar (database versions not stated): gnomAD exomes 0.00002 and 0.00004; ExAC 0.00003; TOPMed 0.00006; gnomAD 0.00007 and 0.00008.
gnomAD v4.1: 40 of 1,613,736 alleles (0.0025%); highest among the groups gnomAD compares: Admixed American, 0.02%; no homozygotes.

Submissions (4):

PreventionGenetics, part of Exact Sciences
Classification: Uncertain significance for PEX1-related condition. Last evaluated: 2026-04-10. Review status: criteria provided, single submitter. Criteria: ACMG Guidelines, 2015. Collection method: clinical testing. Allele origin: germline.
Comment: The PEX1 c.2876G>A variant is predicted to result in the amino acid substitution p.Arg959Gln. To our knowledge, this variant has not been reported in the literature. This variant is reported in 0.025% of alleles in individuals of Latino descent in gnomAD. At this time, the clinical significance of this variant is uncertain due to the absence of conclusive functional and genetic evidence.

Labcorp Genetics (formerly Invitae), Labcorp
Classification: Uncertain significance for Zellweger spectrum disorders. Last evaluated: 2022-09-27. Review status: criteria provided, single submitter. Criteria: Invitae Variant Classification Sherloc (09022015). Collection method: clinical testing. Allele origin: germline.
Comment: This sequence change replaces arginine, which is basic and polar, with glutamine, which is neutral and polar, at codon 959 of the PEX1 protein (p.Arg959Gln). This variant is present in population databases (rs773206107, gnomAD 0.03%). This variant has not been reported in the literature in individuals affected with PEX1-related conditions. ClinVar contains an entry for this variant (Variation ID: 593681). Advanced modeling of protein sequence and biophysical properties (such as structural, functional, and spatial information, amino acid conservation, physicochemical variation, residue mobility, and thermodynamic stability) performed at Invitae indicates that this missense variant is expected to disrupt PEX1 protein function. In summary, the available evidence is currently insufficient to determine the role of this variant in disease. Therefore, it has been classified as a Variant of Uncertain Significance.

GeneDx
Classification: Uncertain significance. Last evaluated: 2020-09-10. Review status: criteria provided, single submitter. Criteria: GeneDx Variant Classification Process June 2021. Collection method: clinical testing. Allele origin: germline. Affected: yes.
Comment: In silico analysis supports that this missense variant has a deleterious effect on protein structure/function; This variant is associated with the following publications: (PMID: 31374812)

Eurofins Ntd Llc (ga)
Classification: Uncertain significance. Last evaluated: 2017-08-15. Review status: criteria provided, single submitter. Criteria: EGL Classification Definitions 2015. Collection method: clinical testing. Allele origin: germline. Observed: 2 variant alleles, 2 heterozygotes.

NM_000466.3(PEX1):c.2876G>A (p.Arg959Gln)

Genes: GATAD1 (GATA zinc finger domain containing 1; plus strand), PEX1 (peroxisomal biogenesis factor 1; minus strand). Cytogenetic location: 7q21.2.
Variant type: single nucleotide variant.
Coding change: c.2876G>A on transcript NM_000466.3 (MANE Select); coding-DNA position 2876, G replaced by A.
Protein change: p.Arg959Gln; replaces arginine 959 with glutamine.
Molecular consequence: missense variant.
Genome position (GRCh38, 1-based): chr7:92,494,537, C>T on the plus strand (G>A on the coding strand, the complement: PEX1 is on the minus strand). VCF-style: chr7-92494537-C-T. GRCh37 (hg19) VCF-style: chr7-92123851-C-T.
Other names: c.2705G>A, p.Arg902Gln (NM_001282677.2); c.2252G>A, p.Arg751Gln (NM_001282678.2); short protein forms R959Q, R751Q, R902Q.
Identifiers: ClinVar variation 593681 (VCV000593681.9), dbSNP rs773206107, ClinGen allele CA4340985.
Genomic context (GRCh38, chr7:92,494,537, plus strand): 5'-TAATTATTACCCTGTAAGCCTTCTACTCCATCCAACTGAGTCAGCAACTGGTTAACTACT[C>T]GGTCTGTAACTCCTGTATTATCATGACCCCGCCGAGGAGCAATGGATTCAAATTCATCAA-3'
Protein context (NP_000457.1, residues 949-969): RGHDNTGVTD[Arg959Gln]VVNQLLTQLD